The following is an entry in ClinVar:

ClinVar aggregate classification (germline): Uncertain significance. Review status: criteria provided, multiple submitters, no conflicts (2 of 4 stars). 2 submissions from 2 submitters: Uncertain significance (2). Last evaluated 2025-07-15.

gnomAD v4.1: 11 of 1,509,412 alleles (0.00073%); highest among the groups gnomAD compares: East Asian, 0.0023%; no homozygotes.

Submissions (2):

Ambry Genetics
Classification: Uncertain significance. Last evaluated: 2025-07-15. Review status: criteria provided, single submitter. Criteria: Ambry Variant Classification Scheme 2023. Collection method: clinical testing. Allele origin: germline.

Labcorp Genetics (formerly Invitae), Labcorp
Classification: Uncertain significance. Last evaluated: 2025-05-10. Review status: criteria provided, single submitter. Criteria: Invitae Variant Classification Sherloc (09022015). Collection method: clinical testing. Allele origin: germline.
Comment: This sequence change replaces proline, which is neutral and non-polar, with leucine, which is neutral and non-polar, at codon 493 of the ZCCHC8 protein (p.Pro493Leu). The frequency data for this variant in the population databases is considered unreliable, as metrics indicate poor data quality at this position in the gnomAD database. This variant has not been reported in the literature in individuals affected with ZCCHC8-related conditions. Invitae Evidence Modeling of protein sequence and biophysical properties (such as structural, functional, and spatial information, amino acid conservation, physicochemical variation, residue mobility, and thermodynamic stability) indicates that this missense variant is not expected to disrupt ZCCHC8 protein function with a negative predictive value of 80%. In summary, the available evidence is currently insufficient to determine the role of this variant in disease. Therefore, it has been classified as a Variant of Uncertain Significance.

NM_017612.5(ZCCHC8):c.1478C>T (p.Pro493Leu)

Gene: ZCCHC8 (zinc finger CCHC-type containing 8; minus strand). Cytogenetic location: 12q24.31.
Variant type: single nucleotide variant.
Coding change: c.1478C>T on transcript NM_017612.5 (MANE Select); coding-DNA position 1478, C replaced by T.
Protein change: p.Pro493Leu; replaces proline 493 with leucine.
Molecular consequence: missense variant.
Genome position (GRCh38, 1-based): chr12:122,474,143, G>A on the plus strand (C>T on the coding strand, the complement: ZCCHC8 is on the minus strand). VCF-style: chr12-122474143-G-A. GRCh37 (hg19) VCF-style: chr12-122958690-G-A.
Other names: c.1247C>T, p.Pro416Leu (NM_001350935.2); c.1181C>T, p.Pro394Leu (NM_001350936.2); c.764C>T, p.Pro255Leu (NM_001350937.2, NM_001350938.2); short protein forms P255L, P416L, P394L, P493L.
Identifiers: ClinVar variation 4204513 (VCV004204513.2).